The following is an entry in ClinVar:

NM_177550.5(SLC13A5):c.1511del (p.Leu504fs)

Gene: SLC13A5 (solute carrier family 13 member 5; minus strand). Cytogenetic location: 17p13.1.
Variant type: Deletion.
Coding change: c.1511del on transcript NM_177550.5 (MANE Select); coding-DNA position 1511, one base deleted (T; older notation c.1511delT).
Protein change: p.Leu504fs; shifts the reading frame from leucine 504.
Molecular consequence: frameshift variant. On other transcripts: intron variant (1).
Genome position (GRCh38, 1-based): chr17:6,687,593, A deleted on the plus strand (T on the coding strand, the reverse complement: SLC13A5 is on the minus strand); the first of 2 consecutive A bases (chr17:6,687,593-6,687,594); deleting either gives the same sequence. VCF-style (leftmost placement, unchanged base first): chr17-6687592-CA-C. GRCh37 (hg19) VCF-style: chr17-6590911-CA-C.
Other names: NM_001143838.3(SLC13A5):c.1438-1255del; c.1511delT (NM_177550.4, NM_177550.3); c.1460del, p.Leu487fs (NM_001284509.2); c.1382del, p.Leu461fs (NM_001284510.2); c.1438-1255del (NM_001143838.3); short protein forms L461fs, L487fs, L504fs.
Identifiers: ClinVar variation 449231 (VCV000449231.15), dbSNP rs1211773372, ClinGen allele CA624673742.

ClinVar aggregate classification (germline): Conflicting classifications of pathogenicity. Review status: criteria provided, conflicting classifications (1 of 4 stars). 5 submissions from 5 submitters: Pathogenic (1); Likely pathogenic (2); Uncertain significance (2). Last evaluated 2025-01-30.

Conditions:
Developmental and epileptic encephalopathy, 25 (DEE25). Also called: Developmental and epileptic encephalopathy 25, with amelogenesis imperfecta; Epileptic encephalopathy, early infantile, 25, with amelogenesis imperfecta; Epileptic encephalopathy, early infantile, 25. Identifiers: Orphanet 442835, MedGen C4014621, MONDO:0014392, OMIM 615905.
Inborn genetic diseases. Identifiers: MedGen C0950123, MeSH D030342.

Submissions (5):

Labcorp Genetics (formerly Invitae), Labcorp
Classification: Pathogenic for Developmental and epileptic encephalopathy, 25. Last evaluated: 2025-01-30. Review status: criteria provided, single submitter. Criteria: Invitae Variant Classification Sherloc (09022015). Collection method: clinical testing. Allele origin: germline.
Comment: This sequence change creates a premature translational stop signal (p.Leu504Cysfs*23) in the SLC13A5 gene. While this is not anticipated to result in nonsense mediated decay, it is expected to disrupt the last 65 amino acid(s) of the SLC13A5 protein. This variant is present in population databases (no rsID available, gnomAD 0.01%). This premature translational stop signal has been observed in individual(s) with SLC13A5-related conditions (PMID: 31780880). In at least one individual the data is consistent with being in trans (on the opposite chromosome) from a pathogenic variant. ClinVar contains an entry for this variant (Variation ID: 449231). Experimental studies and prediction algorithms are not available or were not evaluated, and the functional significance of this variant is currently unknown. Algorithms developed to predict the effect of sequence changes on RNA splicing suggest that this variant may disrupt the consensus splice site. This variant disrupts a region of the SLC13A5 protein in which other variant(s) (p.Pro505Leu) have been determined to be pathogenic (PMID: 31780880, 33258288; internal data). This suggests that this is a clinically significant region of the protein, and that variants that disrupt it are likely to be disease-causing. For these reasons, this variant has been classified as Pathogenic.

Ambry Genetics
Classification: Uncertain significance for Inborn genetic diseases. Last evaluated: 2024-03-27. Review status: criteria provided, single submitter. Criteria: Ambry Variant Classification Scheme 2023. Collection method: clinical testing. Allele origin: germline.
Comment: The c.1511delT (p.L504Cfs*23) alteration, located in coding exon 11 of the SLC13A5 gene, consists of a deletion of one nucleotide at position 1511, causing a translational frameshift with a predicted alternate stop codon after 23 amino acids. This alteration occurs at the 3' terminus of the SLC13A5 gene, is not expected to trigger nonsense-mediated mRNA decay, and only impacts the last 42 amino acids of the protein. The exact functional effect of this alteration is unknown. This allele was reported in one heterozygous individual in population-based cohorts in the Genome Aggregation Database (gnomAD). This variant was seen in trans along with another SLC13A5 variant, c.1514C>T (p.P505L), in a child with neonatal refractory epilepsy, epileptic/infantile spasms, abnormal brain wave patterns, intellectual disability, and severe psychomotor development delay (Fern&aacute;ndez-Marmiesse, 2019). This variant has also been reported as a homozygous finding in a child with a diagnosis of SLC13A5 citrate transporter disorder (Spelbrink, 2023). Based on insufficient or conflicting evidence, the clinical significance of this alteration remains unclear.

Broad Center for Mendelian Genomics, Broad Institute of MIT and Harvard
Classification: Uncertain significance for Developmental and epileptic encephalopathy, 25. Last evaluated: 2021-11-02. Review status: criteria provided, single submitter. Criteria: ACMG Guidelines, 2015. Collection method: curation. Allele origin: germline. Inheritance: Autosomal recessive inheritance.
Comment: The c.1438-1255del variant in SLC13A5 has been reported in 2 individuals with developmental and epileptic encephalopathy (PMID: 31780880, TESS cohort) and has been identified in 0.01% (1/8712) of African/African American chromosomes by the Genome Aggregation Database (gnomAD; dbSNP ID: rs1211773372). Although this variant has been seen in the general population in a heterozygous state, its frequency is not high enough to rule out a pathogenic role. Of the 2 affected individuals, 1 of those was a homozygote and 1 was a compound heterozygote that carried a variant of uncertain significance in trans, which increases the likelihood that the c.1438-1255del variant is pathogenic (VariationID: 842942; PMID: 31780880, TESS Cohort). This variant has also been reported in ClinVar (Variation ID#: 449231) and has been interpreted as VUS by Invitae and likely pathogenic by GeneDx. This variant is predicted to cause a frameshift, which alters the protein’s amino acid sequence beginning at position 504 and leads to a premature termination codon 23 amino acids downstream. This termination codon occurs (within the terminal 50 bases of the second to last exon) and is more likely to escape nonsense mediated decay (NMD) and result in a truncated protein. Loss of function of the SLC13A5 gene is a strongly established disease mechanism in autosomal recessive developmental and epileptic encephalopathy, 25. In summary, the clinical significance of the c.1438-1255del variant is uncertain. ACMG/AMP Criteria applied: PM3_supporting, PVS1_supporting (Richards 2015).

Genome-Nilou Lab
Classification: Likely pathogenic for Developmental and epileptic encephalopathy, 25. Last evaluated: 2021-07-15. Review status: criteria provided, single submitter. Criteria: ACMG Guidelines, 2015. Collection method: clinical testing. Allele origin: germline. Affected: no.

GeneDx
Classification: Likely pathogenic. Last evaluated: 2017-01-20. Review status: criteria provided, single submitter. Criteria: GeneDx Variant Classification (06012015). Collection method: clinical testing. Allele origin: germline. Affected: yes.
Comment: The c.1511delT variant in the SLC13A5 gene has not been reported previously as a pathogenic variant nor as a benign variant, to our knowledge. The c.1511delT variant causes a frameshift that is predicted to result in protein truncation, as the last 65 amino acids are lost and replaced with 22 incorrect amino acids; however, loss-of-function variants have not been published downstream of this position in the protein. The c.1511delT variant is not observed in large population cohorts (Lek et al., 2016; 1000 Genomes Consortium et al., 2015; Exome Variant Server). We interpret c.1511delT as a likely pathogenic variant.

Literature cited by the submitters: PubMed 31780880 (cited by Labcorp Genetics (formerly Invitae), Labcorp and Ambry Genetics); PubMed 33258288 (cited by Labcorp Genetics (formerly Invitae), Labcorp); PubMed 37025451 (cited by Ambry Genetics).